The following is an entry in ClinVar:

NM_001042517.2(DIAPH3):c.1481-7A>G

Gene: DIAPH3 (diaphanous related formin 3; minus strand). Cytogenetic location: 13q21.2.
Variant type: single nucleotide variant.
Coding change: c.1481-7A>G on transcript NM_001042517.2 (MANE Select); 7 bases into the intron before coding-DNA position 1481, A replaced by G.
Molecular consequence: intron variant.
Genome position (GRCh38, 1-based): chr13:59,980,866, T>C on the plus strand (A>G on the coding strand, the complement: DIAPH3 is on the minus strand). VCF-style: chr13-59980866-T-C. GRCh37 (hg19) VCF-style: chr13-60555000-T-C.
Other names: c.1271-7A>G (NM_001258368.2); c.1343-7A>G (NM_001258367.2); c.1448-7A>G (NM_001258366.2); c.1481-7A>G (NM_001258369.2); c.692-7A>G (NM_030932.4, NM_001258370.2).
Identifiers: ClinVar variation 1375563 (VCV001375563.9), dbSNP rs534979056, ClinGen allele CA6996667.

ClinVar aggregate classification (germline): Uncertain significance (1 of 4 stars; one submission).

Allele frequency attached by ClinVar (database versions not stated): gnomAD exomes 0.00001 and 0.00004; ExAC 0.00003; gnomAD 0.00011; TOPMed 0.00011; 1000 Genomes Project 30x 0.00016; 1000 Genomes Project 0.00020.
gnomAD v4.1: 37 of 1,607,678 alleles (0.0023%); highest among the groups gnomAD compares: African/African-American, 0.029%; no homozygotes.

Submissions (3):

Labcorp Genetics (formerly Invitae), Labcorp
Classification: Uncertain significance. Last evaluated: 2025-08-31. Review status: criteria provided, single submitter. Criteria: Invitae Variant Classification Sherloc (09022015). Collection method: clinical testing. Allele origin: germline.
Comment: This sequence change falls in intron 13 of the DIAPH3 gene. It does not directly change the encoded amino acid sequence of the DIAPH3 protein. This variant is present in population databases (rs534979056, gnomAD 0.05%). This variant has not been reported in the literature in individuals affected with DIAPH3-related conditions. ClinVar contains an entry for this variant (Variation ID: 1375563). Algorithms developed to predict the effect of sequence changes on RNA splicing suggest that this variant may disrupt the consensus splice site. In summary, the available evidence is currently insufficient to determine the role of this variant in disease. Therefore, it has been classified as a Variant of Uncertain Significance.

Dr. Peter K. Rogan Lab, Western University
No classification provided (evidence only). Condition: Clear cell carcinoma of kidney. Review status: no classification provided. Collection method: in vitro. Allele origin: not applicable. Functional consequence: retained intron. Not counted in ClinVar's aggregate classification.

Dr. Peter K. Rogan Lab, Western University
No classification provided (evidence only). Condition: Cervical cancer. Review status: no classification provided. Collection method: in vitro. Allele origin: not applicable. Functional consequence: retained intron. Not counted in ClinVar's aggregate classification.